The following is an entry in ClinVar:

ClinVar aggregate classification (germline): Uncertain significance. Review status: criteria provided, multiple submitters, no conflicts (2 of 4 stars). 3 submissions from 3 submitters: Uncertain significance (2). 1 of the submissions does not count toward it. Last evaluated 2022-08-20.

Conditions:
Late-infantile neuronal ceroid lipofuscinosis. Also called: Jansky-Bielschowsky disease. Identifiers: MedGen C0022340, MONDO:0015674.
Neuronal ceroid lipofuscinosis 7 (CLN7). Also called: MFSD8-Related Neuronal Ceroid-Lipofuscinosis. Identifiers: Orphanet 168491, Orphanet 228366, MedGen C1838571, MONDO:0012588, OMIM 610951.

Allele frequency attached by ClinVar (database versions not stated): gnomAD exomes below 0.00001; ExAC 0.00001; gnomAD 0.00003 and 0.00004; TOPMed 0.00003; ESP Exome Variant Server 0.00008.
gnomAD v4.1: 5 of 1,613,846 alleles (0.00031%); highest among the groups gnomAD compares: African/African-American, 0.0053%; no homozygotes.

Submissions (3):

Labcorp Genetics (formerly Invitae), Labcorp
Classification: Uncertain significance for Neuronal ceroid lipofuscinosis 7. Last evaluated: 2022-08-20. Review status: criteria provided, single submitter. Criteria: Invitae Variant Classification Sherloc (09022015). Collection method: clinical testing. Allele origin: germline.
Comment: This sequence change replaces arginine, which is basic and polar, with proline, which is neutral and non-polar, at codon 5 of the MFSD8 protein (p.Arg5Pro). This variant is present in population databases (rs139409959, gnomAD 0.008%). This variant has not been reported in the literature in individuals affected with MFSD8-related conditions. ClinVar contains an entry for this variant (Variation ID: 1192773). Algorithms developed to predict the effect of missense changes on protein structure and function (SIFT, PolyPhen-2, Align-GVGD) all suggest that this variant is likely to be tolerated. In summary, the available evidence is currently insufficient to determine the role of this variant in disease. Therefore, it has been classified as a Variant of Uncertain Significance.

GeneDx
Classification: Uncertain significance. Last evaluated: 2020-10-19. Review status: criteria provided, single submitter. Criteria: GeneDx Variant Classification Process June 2021. Collection method: clinical testing. Allele origin: germline. Affected: yes.
Comment: Not observed at a significant frequency in large population cohorts (Lek et al., 2016); In silico analysis supports that this missense variant does not alter protein structure/function; Has not been previously published as pathogenic or benign to our knowledge

Natera, Inc.
Classification: Uncertain significance for Late-infantile neuronal ceroid lipofuscinosis. Last evaluated: 2020-08-05. Review status: no assertion criteria provided. Collection method: clinical testing. Allele origin: germline. Not counted in ClinVar's aggregate classification.

NM_001371596.2(MFSD8):c.14G>C (p.Arg5Pro)

Gene: MFSD8 (major facilitator superfamily domain containing 8; minus strand). Cytogenetic location: 4q28.2.
Variant type: single nucleotide variant.
Coding change: c.14G>C on transcript NM_001371596.2 (MANE Select); coding-DNA position 14, G replaced by C.
Protein change: p.Arg5Pro; replaces arginine 5 with proline.
Molecular consequence: missense variant. On other transcripts: 5 prime UTR variant (1), intron variant (2).
Genome position (GRCh38, 1-based): chr4:127,965,120, C>G on the plus strand (G>C on the coding strand, the complement: MFSD8 is on the minus strand). VCF-style: chr4-127965120-C-G. GRCh37 (hg19) VCF-style: chr4-128886275-C-G.
Other names: c.14G>C, p.Arg5Pro (NM_001363520.3, NM_001363521.3, NM_001371591.2 and 5 more transcripts); c.-120G>C (NM_001371595.1); c.-74+777G>C (NM_001410765.1, NM_001371590.2); short protein forms R5P.
Identifiers: ClinVar variation 1192773 (VCV001192773.7), dbSNP rs139409959, ClinGen allele CA3077618.